The following is an entry in ClinVar:

ClinVar aggregate classification (germline): Uncertain significance (1 of 4 stars; one submission).

Allele frequency attached by ClinVar (database versions not stated): gnomAD exomes below 0.00001; TOPMed 0.00001.
gnomAD v4.1: 3 of 1,609,620 alleles (0.00019%); highest among the groups gnomAD compares: African/African-American, 0.004%; no homozygotes.

Submission:

Labcorp Genetics (formerly Invitae), Labcorp
Classification: Uncertain significance. Last evaluated: 2022-08-19. Review status: criteria provided, single submitter. Criteria: Invitae Variant Classification Sherloc (09022015). Collection method: clinical testing. Allele origin: germline.
Comment: In summary, the available evidence is currently insufficient to determine the role of this variant in disease. Therefore, it has been classified as a Variant of Uncertain Significance. Experimental studies and prediction algorithms are not available or were not evaluated, and the functional significance of this variant is currently unknown. This variant has not been reported in the literature in individuals affected with NR2E3-related conditions. This variant is not present in population databases (gnomAD no frequency). This sequence change replaces asparagine, which is neutral and polar, with lysine, which is basic and polar, at codon 397 of the NR2E3 protein (p.Asn397Lys).

NM_014249.4(NR2E3):c.1191T>A (p.Asn397Lys)

Gene: NR2E3 (nuclear receptor subfamily 2 group E member 3; plus strand). Cytogenetic location: 15q23.
Variant type: single nucleotide variant.
Coding change: c.1191T>A on transcript NM_014249.4 (MANE Select); coding-DNA position 1191, T replaced by A.
Protein change: p.Asn397Lys; replaces asparagine 397 with lysine.
Molecular consequence: missense variant.
Genome position (GRCh38, 1-based): chr15:71,817,642, T>A. VCF-style: chr15-71817642-T-A. GRCh37 (hg19) VCF-style: chr15-72109983-T-A.
Other names: short protein forms N397K.
Identifiers: ClinVar variation 1923706 (VCV001923706.5), dbSNP rs1383717090, ClinGen allele CA393041587.